The following is an entry in ClinVar:

NC_012920.1(MT-ND5):m.12400A>G

Gene: MT-ND5 (mitochondrially encoded NADH dehydrogenase 5; plus strand).
Variant type: single nucleotide variant.
Genome position: chrM-12400-A-G.
Identifiers: ClinVar variation 693433 (VCV000693433.1), dbSNP rs201405598, ClinGen allele CA337099473.

ClinVar aggregate classification (germline): Benign (1 of 4 stars; one submission).

Conditions:
Leigh syndrome (NULS). Also called: Leigh's necrotizing encephalopathy; Leigh's disease; Leigh Syndrome (mtDNA deletion); Leigh Disease; Subacute necrotizing encephalopathy; Necrotizing encephalopathy infantile subacute of Leigh. Identifiers: Orphanet 506, MedGen C2931891, MONDO:0009723, OMIM 256000.

Submission:

Wong Mito Lab, Molecular and Human Genetics, Baylor College of Medicine
Classification: Benign for Leigh syndrome. Last evaluated: 2019-10-17. Review status: criteria provided, single submitter. Criteria: Modified ACMG Guidelines (Unpublished). Collection method: clinical testing. Allele origin: germline.
Comment: The NC_012920.1:m.12400A>G (YP_003024036.1:p.Thr22Ala) variant in MTND5 gene is interpretated to be a Benign variant based on the modified ACMG guidelines (unpublished). This variant meets the following evidence codes: BS1, BS2, BP4